The following is an entry in ClinVar:

ClinVar aggregate classification (germline): Uncertain significance (1 of 4 stars; one submission).

Conditions:
LMF1-related disorder. Also called: LMF1-related condition.

Submission:

PreventionGenetics, part of Exact Sciences
Classification: Uncertain significance for LMF1-related condition. Last evaluated: 2026-04-09. Review status: criteria provided, single submitter. Criteria: ACMG Guidelines, 2015. Collection method: clinical testing. Allele origin: germline.
Comment: The LMF1 c.95A>G variant is predicted to result in the amino acid substitution p.His32Arg. To our knowledge, this variant has not been reported in the literature or in a large population database (gnomAD), indicating this variant is rare. At this time, the clinical significance of this variant is uncertain due to the absence of conclusive functional and genetic evidence.

NM_022773.4(LMF1):c.514+233A>G

Genes: LMF1 (lipase maturation factor 1; minus strand), LMF1-AS1 (LMF1 antisense RNA 1; plus strand). Cytogenetic location: 16p13.3.
Variant type: single nucleotide variant.
Coding change: c.514+233A>G on transcript NM_022773.4 (MANE Select); 233 bases into the intron after coding-DNA position 514, A replaced by G.
Molecular consequence: intron variant. On other transcripts: non-coding transcript variant (2), missense variant (1).
Genome position (GRCh38, 1-based): chr16:934,011, T>C on the plus strand (A>G on the coding strand, the complement: LMF1 is on the minus strand). VCF-style: chr16-934011-T-C. GRCh37 (hg19) VCF-style: chr16-984011-T-C.
Other names: c.95A>G, p.His32Arg (NM_001352018.2); c.187+233A>G (NM_001352019.2); c.-290+233A>G (NM_001352017.2); c.514+233A>G (NM_001352020.1); c.-138+179A>G (NM_001352021.2); short protein forms H32R.
Identifiers: ClinVar variation 4994886 (VCV004994886.1).
Genomic context (GRCh38, chr16:934,011, plus strand): 5'-GTGCTTTCCCTCTGCCCCAGGGAAGCGGTGGTAATCACACCTGTGAGATGCCGACAATCA[T>C]GCGTGCGACCATCCGTCTCTAGGTGCCCGGGGCCTGGAAGCCCAGGAGCTCCCACATCCA-3'